The following is an entry in ClinVar:

ClinVar aggregate classification (germline): Uncertain significance (1 of 4 stars; one submission).

Submission:

Ambry Genetics
Classification: Uncertain significance. Last evaluated: 2025-04-05. Review status: criteria provided, single submitter. Criteria: Ambry Variant Classification Scheme 2023. Collection method: clinical testing. Allele origin: germline.
Comment: The p.H659Q variant (also known as c.1977T>G), located in coding exon 13 of the GEN1 gene, results from a T to G substitution at nucleotide position 1977. The histidine at codon 659 is replaced by glutamine, an amino acid with highly similar properties. This amino acid position is conserved. In addition, this alteration is predicted to be tolerated by in silico analysis. Based on the available evidence, the clinical significance of this variant remains unclear.

NM_001130009.3(GEN1):c.1977T>G (p.His659Gln)

Gene: GEN1 (GEN1 Holliday junction 5' flap endonuclease; plus strand). Cytogenetic location: 2p24.2.
Variant type: single nucleotide variant.
Coding change: c.1977T>G on transcript NM_001130009.3 (MANE Select); coding-DNA position 1977, T replaced by G.
Protein change: p.His659Gln; replaces histidine 659 with glutamine.
Molecular consequence: missense variant.
Genome position (GRCh38, 1-based): chr2:17,781,189, T>G. VCF-style: chr2-17781189-T-G. GRCh37 (hg19) VCF-style: chr2-17962456-T-G.
Other names: c.1977T>G, p.His659Gln (NM_182625.5); short protein forms H659Q.
Identifiers: ClinVar variation 4029206 (VCV004029206.1).
Genomic context (GRCh38, chr2:17,781,189, plus strand): 5'-CACTGCAAACATAAAGAAAGTGTTGGATGAGGATTCTGATGGGATTAGTCCTGAAGAGCA[T>G]CTACTTTCTGGCATTACTGATTTATGTCTTCAGGATTTGCCTTTAAAGGAACGAATATTT-3'
Protein context (NP_001123481.3, residues 649-669): EDSDGISPEE[His659Gln]LLSGITDLCL